The following is an entry in ClinVar:

NM_006545.5(NPRL2):c.28A>G (p.Ile10Val)

Gene: NPRL2 (NPR2 like, GATOR1 complex subunit; minus strand). Cytogenetic location: 3p21.31.
Variant type: single nucleotide variant.
Coding change: c.28A>G on transcript NM_006545.5 (MANE Select); coding-DNA position 28, A replaced by G.
Protein change: p.Ile10Val; replaces isoleucine 10 with valine.
Molecular consequence: missense variant.
Genome position (GRCh38, 1-based): chr3:50,350,625, T>C on the plus strand (A>G on the coding strand, the complement: NPRL2 is on the minus strand). VCF-style: chr3-50350625-T-C. GRCh37 (hg19) VCF-style: chr3-50388056-T-C.
Other names: short protein forms I10V.
Identifiers: ClinVar variation 3390141 (VCV003390141.14).
Genomic context (GRCh38, chr3:50,350,625, plus strand): 5'-CGGGTGGCACCTGATAGGTGATCTTGGGTCCCAGCGTGGGGTGGAACTCGCTGAAGAATA[T>C]GCATTCGATGCGGCAGCCGCTGCCCATGGCAATAACCGGGCCCAGGCCCGTAGCTCCTCG-3'
Protein context (NP_006536.3, residues 1-20): MGSGCRIEC[Ile10Val]FFSEFHPTLG

ClinVar aggregate classification (germline): Uncertain significance (1 of 4 stars; one submission).

gnomAD v4.1: 4 of 1,609,024 alleles (0.00025%); highest among the groups gnomAD compares: Non-Finnish European, 0.00034%; no homozygotes.

Submission:

CeGaT Center for Human Genetics Tuebingen
Classification: Uncertain significance. Last evaluated: 2024-11-01. Review status: criteria provided, single submitter. Criteria: CeGaT Center For Human Genetics Tuebingen Variant Classification Criteria Version 2. Collection method: clinical testing. Allele origin: germline. Affected: yes. Observed: 1 variant allele.
Comment: NPRL2: PM2:Supporting